The following is an entry in ClinVar:

ClinVar aggregate classification (germline): Likely pathogenic (1 of 4 stars; one submission).

Conditions:
Congenital prothrombin deficiency. Also called: Factor II deficiency; Inherited hypoprothrombinemia; Congenital factor II deficiency; Inherited prothrombin deficiency; Hereditary factor II deficiency disease; HYPOPROTHROMBINEMIA. Identifiers: Orphanet 325, MedGen C0272317, MONDO:0013361, OMIM 613679.

Submission:

Labcorp Genetics (formerly Invitae), Labcorp
Classification: Likely pathogenic for Congenital prothrombin deficiency. Last evaluated: 2025-03-11. Review status: criteria provided, single submitter. Criteria: Invitae Variant Classification Sherloc (09022015). Collection method: clinical testing. Allele origin: germline.
Comment: This sequence change affects a donor splice site in intron 9 of the F2 gene. It is expected to disrupt RNA splicing. Variants that disrupt the donor or acceptor splice site typically lead to a loss of protein function (PMID: 16199547), and loss-of-function variants in F2 are known to be pathogenic (PMID: 23852823). This variant is not present in population databases (gnomAD no frequency). This variant has not been reported in the literature in individuals affected with F2-related conditions. Algorithms developed to predict the effect of sequence changes on RNA splicing suggest that this variant may disrupt the consensus splice site. In summary, the currently available evidence indicates that the variant is pathogenic, but additional data are needed to prove that conclusively. Therefore, this variant has been classified as Likely Pathogenic.

Literature cited by the submitters: PubMed 16199547; PubMed 23852823.

NM_000506.5(F2):c.1130+1G>A

Gene: F2 (coagulation factor II, thrombin; plus strand). Cytogenetic location: 11p11.2.
Variant type: single nucleotide variant.
Coding change: c.1130+1G>A on transcript NM_000506.5 (MANE Select); the canonical splice donor site of the intron after coding-DNA position 1130, G replaced by A.
Molecular consequence: splice donor variant.
Genome position (GRCh38, 1-based): chr11:46,726,838, G>A. VCF-style: chr11-46726838-G-A. GRCh37 (hg19) VCF-style: chr11-46748388-G-A.
Identifiers: ClinVar variation 4805048 (VCV004805048.1).